The following is an entry in ClinVar:

NM_182961.4(SYNE1):c.24708G>A (p.Ser8236=)

Gene: SYNE1 (spectrin repeat containing nuclear envelope protein 1; minus strand). Cytogenetic location: 6q25.2.
Variant type: single nucleotide variant.
Coding change: c.24708G>A on transcript NM_182961.4 (MANE Select); coding-DNA position 24708, G replaced by A.
Protein change: p.Ser8236=; no amino-acid change (serine 8236 retained).
Molecular consequence: synonymous variant.
Genome position (GRCh38, 1-based): chr6:152,148,313, C>T on the plus strand (G>A on the coding strand, the complement: SYNE1 is on the minus strand). VCF-style: chr6-152148313-C-T. GRCh37 (hg19) VCF-style: chr6-152469448-C-T.
Other names: c.1314G>A, p.Ser438= (NM_001347701.2); c.1173G>A, p.Ser391= (NM_001347702.2); c.24495G>A, p.Ser8165= (NM_033071.5).
Identifiers: ClinVar variation 2184382 (VCV002184382.6), dbSNP rs769081425, ClinGen allele CA4053096.

ClinVar aggregate classification (germline): Likely benign. Review status: criteria provided, multiple submitters, no conflicts (2 of 4 stars). 3 submissions from 3 submitters: Likely benign (3). Last evaluated 2026-08-05.

Conditions:
Emery-Dreifuss muscular dystrophy 4, autosomal dominant (EDMD4). Also called: EMERY-DREIFUSS MUSCULAR DYSTROPHY 4 WITH VARIABLE FEATURES. Identifiers: Orphanet 261, MedGen C2751807, MONDO:0013071, OMIM 612998.
Autosomal recessive ataxia, Beauce type. Also called: Spinocerebellar ataxia, autosomal recessive 8; ATAXIA, RECESSIVE, OF BEAUCE; SYNE1 Deficiency; SYNE1-Related Autosomal Recessive Cerebellar Ataxia. Identifiers: Orphanet 88644, MedGen C1853116, MONDO:0012549, OMIM 610743.
SYNE1-related disorder. Also called: SYNE1-related disease; SYNE1-related condition; SYNE1-related disorders.

Allele frequency attached by ClinVar (database versions not stated): gnomAD 0.00001; ExAC 0.00002; gnomAD exomes 0.00002; TOPMed 0.00002.
gnomAD v4.1: 32 of 1,613,900 alleles (0.002%); highest among the groups gnomAD compares: Admixed American, 0.01%; 1 homozygote.

Submissions (3):

PreventionGenetics, part of Exact Sciences
Classification: Likely benign for SYNE1-related condition. Last evaluated: 2026-08-05. Review status: criteria provided, single submitter. Criteria: ACMG Guidelines, 2015. Collection method: clinical testing. Allele origin: germline.
Comment: This variant is classified as likely benign based on ACMG/AMP sequence variant interpretation guidelines (Richards et al. 2015 PMID: 25741868, with internal and published modifications).

Labcorp Genetics (formerly Invitae), Labcorp
Classification: Likely benign for Emery-Dreifuss muscular dystrophy 4, autosomal dominant; Autosomal recessive ataxia, Beauce type. Last evaluated: 2025-12-12. Review status: criteria provided, single submitter. Criteria: Invitae Variant Classification Sherloc (09022015). Collection method: clinical testing. Allele origin: germline.

Women's Health and Genetics/Laboratory Corporation of America, LabCorp
Classification: Likely benign. Last evaluated: 2025-09-02. Review status: criteria provided, single submitter. Criteria: LabCorp Variant Classification Summary - May 2015. Collection method: clinical testing. Allele origin: germline.